The following is an entry in ClinVar:

NM_001244008.2(KIF1A):c.3109A>G (p.Thr1037Ala)

Gene: KIF1A (kinesin family member 1A; minus strand). Cytogenetic location: 2q37.3.
Variant type: single nucleotide variant.
Coding change: c.3109A>G on transcript NM_001244008.2 (MANE Select); coding-DNA position 3109, A replaced by G.
Protein change: p.Thr1037Ala; replaces threonine 1037 with alanine.
Molecular consequence: missense variant.
Genome position (GRCh38, 1-based): chr2:240,746,132, T>C on the plus strand (A>G on the coding strand, the complement: KIF1A is on the minus strand). VCF-style: chr2-240746132-T-C. GRCh37 (hg19) VCF-style: chr2-241685549-T-C.
Other names: c.2833A>G, p.Thr945Ala (NM_001320705.2, NM_001330289.2, NM_001379638.1); c.2908A>G, p.Thr970Ala (NM_001330290.2, NM_001379634.1, NM_001379635.1 and 1 more transcripts); c.3184A>G, p.Thr1062Ala (NM_001379631.1); c.3058A>G, p.Thr1020Ala (NM_001379632.1); c.3082A>G, p.Thr1028Ala (NM_001379633.1, NM_001379642.1, NM_001379645.1); c.2806A>G, p.Thr936Ala (NM_001379636.1, NM_001379639.1, NM_001379640.1 and 6 more transcripts); c.2881A>G, p.Thr961Ala (NM_001379637.1, NM_001379648.1); short protein forms T1020A, T1028A, T1037A, T1062A, T936A, T945A, T961A, T970A.
Identifiers: ClinVar variation 3750117 (VCV003750117.2).

ClinVar aggregate classification (germline): Uncertain significance (1 of 4 stars; one submission).

Conditions:
Neuropathy, hereditary sensory, type 2C. Also called: KIF1A-Related HSAN2 (HSAN2C); Hereditary sensory and autonomic neuropathy type IIC. Identifiers: Orphanet 970, MedGen C3280168, MONDO:0013634, OMIM 614213.
Hereditary spastic paraplegia 30. Identifiers: Orphanet 101010, MedGen C5235139, MONDO:0012476.
Intellectual disability, autosomal dominant 9 (NESCAVS). Also called: KIF1A-Related Neurodevelopmental Disorder; NESCAV SYNDROME. Identifiers: Orphanet 662367, MedGen C5393830, MONDO:0013656, OMIM 614255.

gnomAD v4.1: 2 of 1,571,946 alleles (0.00013%); highest among the groups gnomAD compares: African/African-American, 0.0014%; no homozygotes.

Submission:

Labcorp Genetics (formerly Invitae), Labcorp
Classification: Uncertain significance for Hereditary spastic paraplegia 30; Neuropathy, hereditary sensory, type 2C; Intellectual disability, autosomal dominant 9. Last evaluated: 2024-05-08. Review status: criteria provided, single submitter. Criteria: Invitae Variant Classification Sherloc (09022015). Collection method: clinical testing. Allele origin: germline.
Comment: This sequence change replaces threonine, which is neutral and polar, with alanine, which is neutral and non-polar, at codon 936 of the KIF1A protein (p.Thr936Ala). This variant is not present in population databases (gnomAD no frequency). This variant has not been reported in the literature in individuals affected with KIF1A-related conditions. Advanced modeling of protein sequence and biophysical properties (such as structural, functional, and spatial information, amino acid conservation, physicochemical variation, residue mobility, and thermodynamic stability) performed at Invitae indicates that this missense variant is not expected to disrupt KIF1A protein function with a negative predictive value of 95%. In summary, the available evidence is currently insufficient to determine the role of this variant in disease. Therefore, it has been classified as a Variant of Uncertain Significance.